The following is an entry in ClinVar:

ClinVar aggregate classification (germline): Likely pathogenic. Review status: criteria provided, multiple submitters, no conflicts (2 of 4 stars). 2 submissions from 2 submitters: Likely pathogenic (2). Last evaluated 2025-06-06.

Conditions:
CBS-related disorder. Also called: CBS-related condition.
Homocystinuria. Identifiers: MedGen C0019880, MONDO:0004737, HP:0002156.

Submissions (2):

Women's Health and Genetics/Laboratory Corporation of America, LabCorp
Classification: Likely pathogenic for Homocystinuria. Last evaluated: 2025-06-06. Review status: criteria provided, single submitter. Criteria: LabCorp Variant Classification Summary - May 2015. Collection method: clinical testing. Allele origin: germline.
Comment: Variant summary: CBS c.1063G>C (p.Ala355Pro) results in a non-conservative amino acid change in the encoded protein sequence. Algorithms developed to predict the effect of missense changes on protein structure and function all suggest that this variant is likely to be disruptive. The frequency data for this variant in gnomAD is considered unreliable, as metrics indicate poor data quality at this position. c.1063G>C has been observed in individuals affected with Homocystinuria (Gallagher_1998). These data indicate that the variant may be associated with disease. At least one publication reports experimental evidence evaluating an impact on protein function. The most pronounced variant effect results in non-functional protein in a yeast functional assay (Mayfield_2012). The following publications have been ascertained in the context of this evaluation (PMID: 9889017, 22267502). No submitters have cited clinical-significance assessments for this variant to ClinVar. Based on the evidence outlined above, the variant was classified as likely pathogenic.

Blueprint Genetics
Classification: Likely pathogenic for CBS-related disorders. Last evaluated: 2022-11-09. Review status: criteria provided, single submitter. Criteria: ACMG Guidelines, 2015. Collection method: clinical testing. Allele origin: germline. Affected: yes. Observed: 1 variant allele.

Literature cited by the submitters: PubMed 22267502 (cited by Women's Health and Genetics/Laboratory Corporation of America, LabCorp); PubMed 9889017 (cited by Women's Health and Genetics/Laboratory Corporation of America, LabCorp).

NM_000071.3(CBS):c.1063G>C (p.Ala355Pro)

Gene: CBS (cystathionine beta-synthase; minus strand). Cytogenetic location: 21q22.3.
Variant type: single nucleotide variant.
Coding change: c.1063G>C on transcript NM_000071.3 (MANE Select); coding-DNA position 1063, G replaced by C.
Protein change: p.Ala355Pro; replaces alanine 355 with proline.
Molecular consequence: missense variant.
Genome position (GRCh38, 1-based): chr21:43,060,523, C>G on the plus strand (G>C on the coding strand, the complement: CBS is on the minus strand). VCF-style: chr21-43060523-C-G. GRCh37 (hg19) VCF-style: chr21-44480633-C-G.
Other names: c.1063G>C, p.Ala355Pro (NM_001178008.3, NM_001178009.3, NM_001320298.2); c.748G>C, p.Ala250Pro (NM_001321072.1); short protein forms A250P, A355P.
Identifiers: ClinVar variation 3907322 (VCV003907322.2).